The following is an entry in ClinVar:

NM_001267550.2(TTN):c.3133G>A (p.Val1045Met)

Gene: TTN (titin; minus strand). Cytogenetic location: 2q31.2.
Variant type: single nucleotide variant.
Coding change: c.3133G>A on transcript NM_001267550.2 (MANE Select); coding-DNA position 3133, G replaced by A.
Protein change: p.Val1045Met; replaces valine 1045 with methionine.
Molecular consequence: missense variant.
Genome position (GRCh38, 1-based): chr2:178,782,570, C>T on the plus strand (G>A on the coding strand, the complement: TTN is on the minus strand). VCF-style: chr2-178782570-C-T. GRCh37 (hg19) VCF-style: chr2-179647297-C-T.
Other names: c.3133G>A, p.Val1045Met (NM_001256850.1, NM_133378.4, NM_133379.5); c.2995G>A, p.Val999Met (NM_003319.4, NM_133432.3, NM_133437.4); short protein forms V1045M, V999M.
Identifiers: ClinVar variation 46913 (VCV000046913.49), dbSNP rs72647868, ClinGen allele CA139502.

ClinVar aggregate classification (germline): Conflicting classifications of pathogenicity. Review status: criteria provided, conflicting classifications (1 of 4 stars). 15 submissions from 15 submitters: Uncertain significance (10); Likely benign (5). Last evaluated 2026-07-01.

Conditions:
TTN-related disorder. Also called: TTN-related condition; TTN-related disease; TTN-related disorders.
Cardiovascular phenotype. Identifiers: MedGen CN230736.
Dilated cardiomyopathy 1G (CMD1G). Identifiers: Orphanet 154, MedGen C1858763, MONDO:0011400, OMIM 604145.
Autosomal recessive limb-girdle muscular dystrophy type 2J (LGMDR10). Also called: Limb-girdle muscular dystrophy, type 2J; MUSCULAR DYSTROPHY, LIMB-GIRDLE, AUTOSOMAL RECESSIVE 10. Identifiers: Orphanet 140922, MedGen C1837342, MONDO:0012127, OMIM 608807.
Myopathy, myofibrillar, 9, with early respiratory failure (MFM9). Also called: Hereditary myopathy with early respiratory failure; Myopathy, distal, with early respiratory failure, autosomal dominant; EDSTROM MYOPATHY; MYOPATHY, PROXIMAL, WITH EARLY RESPIRATORY MUSCLE INVOLVEMENT. Identifiers: Orphanet 178464, Orphanet 34521, MedGen C1863599, MONDO:0011362, OMIM 603689.
Tibial muscular dystrophy (TMD). Also called: Udd Distal Myopathy – Tibial Muscular Dystrophy; Tibial muscular dystrophy, tardive; UDD MYOPATHY. Identifiers: Orphanet 609, MedGen C1838244, MONDO:0010870, OMIM 600334.
Early-onset myopathy with fatal cardiomyopathy (CMYO5). Also called: Salih Myopathy; CONGENITAL MYOPATHY 5 WITH CARDIOMYOPATHY. Identifiers: Orphanet 289377, MedGen C2673677, MONDO:0012714, OMIM 611705. Disease mechanism: loss of function.
Hypertrophic cardiomyopathy 9. Also called: Familial hypertrophic cardiomyopathy 9. Identifiers: MedGen C1861065, MONDO:0013412, OMIM 613765.

Allele frequency attached by ClinVar (database versions not stated): gnomAD exomes 0.00012 and 0.00013; ExAC 0.00013; gnomAD 0.00019; 1000 Genomes Project 0.00020; ESP Exome Variant Server 0.00023; 1000 Genomes Project 30x 0.00031; TOPMed 0.00031.
gnomAD v4.1: 226 of 1,613,948 alleles (0.014%); highest among the groups gnomAD compares: Admixed American, 0.032%; 1 homozygote.

Submissions (15):

PreventionGenetics, part of Exact Sciences
Classification: Uncertain significance for TTN-related condition. Last evaluated: 2026-07-01. Review status: criteria provided, single submitter. Criteria: ACMG Guidelines, 2015. Collection method: clinical testing. Allele origin: germline.
Comment: The TTN c.3133G>A variant is predicted to result in the amino acid substitution p.Val1045Met. To our knowledge, this variant has not been reported in the literature. This variant is reported in 0.022% of alleles in individuals of European (Non-Finnish) descent in gnomAD. Although we suspect that this variant may be benign, at this time, the clinical significance of this variant is uncertain due to the absence of conclusive functional and genetic evidence.

Molecular Diagnostic Laboratory for Inherited Cardiovascular Disease, Montreal Heart Institute
Classification: Likely benign. Last evaluated: 2026-03-27. Review status: criteria provided, single submitter. Criteria: ACMG Guidelines, 2015. Collection method: clinical testing. Allele origin: germline. Affected: no.
Comment: BP1

Women's Health and Genetics/Laboratory Corporation of America, LabCorp
Classification: Likely benign. Last evaluated: 2026-02-24. Review status: criteria provided, single submitter. Criteria: LabCorp Variant Classification Summary - May 2015. Collection method: clinical testing. Allele origin: germline.
Comment: Variant summary: TTN c.3133G>A (p.Val1045Met) results in a conservative amino acid change located in the near Z-disk region of the encoded protein sequence. Algorithms developed to predict the effect of missense changes on protein structure and function all suggest that this variant is likely to be tolerated. The variant allele was found at a frequency of 0.00014 in 1606978 control chromosomes, in the gnomAD database, including 1 homozygote, and predominantly reported at a frequency of 0.00032 within the Latino subpopulation in the gnomAD database. To our knowledge, no occurrence of c.3133G>A in individuals affected with TTN-related conditions and no experimental evidence demonstrating its impact on protein function have been reported. ClinVar contains an entry for this variant (Variation ID: 46913). Based on the evidence outlined above, the variant was classified as likely benign.

Revvity Omics, Revvity
Classification: Uncertain significance. Last evaluated: 2025-04-24. Review status: criteria provided, single submitter. Criteria: ACMG Guidelines, 2015. Collection method: clinical testing. Allele origin: germline.

Blueprint Genetics
Classification: Likely benign. Last evaluated: 2024-11-06. Review status: criteria provided, single submitter. Criteria: ACMG Guidelines, 2015. Collection method: clinical testing. Allele origin: germline.

CeGaT Center for Human Genetics Tuebingen
Classification: Uncertain significance. Last evaluated: 2024-06-01. Review status: criteria provided, single submitter. Criteria: CeGaT Center For Human Genetics Tuebingen Variant Classification Criteria Version 2. Collection method: clinical testing. Allele origin: germline. Affected: yes. Observed: 1 variant allele.
Comment: TTN: PM2, BP4

Department of Pathology and Laboratory Medicine, Sinai Health System
Classification: Uncertain significance for Tibial muscular dystrophy; Myopathy, myofibrillar, 9, with early respiratory failure; Dilated cardiomyopathy 1G; Autosomal recessive limb-girdle muscular dystrophy type 2J; Early-onset myopathy with fatal cardiomyopathy; Hypertrophic cardiomyopathy 9. Last evaluated: 2022-02-15. Review status: criteria provided, single submitter. Criteria: ACMG Guidelines, 2015. Collection method: research. Allele origin: germline.

Mayo Clinic Laboratories, Mayo Clinic
Classification: Uncertain significance. Last evaluated: 2021-07-06. Review status: criteria provided, single submitter. Criteria: ACMG Guidelines, 2015. Collection method: clinical testing. Allele origin: germline.

GeneDx
Classification: Likely benign. Last evaluated: 2020-09-17. Review status: criteria provided, single submitter. Criteria: GeneDx Variant Classification Process June 2021. Collection method: clinical testing. Allele origin: germline. Affected: yes.

Ambry Genetics
Classification: Likely benign for Cardiovascular phenotype. Last evaluated: 2020-03-26. Review status: criteria provided, single submitter. Criteria: Ambry Variant Classification Scheme 2023. Collection method: clinical testing. Allele origin: germline.

Athena Diagnostics
Classification: Uncertain significance. Last evaluated: 2018-05-17. Review status: criteria provided, single submitter. Criteria: Athena Diagnostics Criteria. Collection method: clinical testing. Allele origin: germline.

ARUP Laboratories, Molecular Genetics and Genomics, ARUP Laboratories
Classification: Uncertain significance. Last evaluated: 2018-02-27. Review status: criteria provided, single submitter. Criteria: ARUP Molecular Germline Variant Investigation Process. Collection method: clinical testing. Allele origin: germline.
Comment: The TTN c.3133G>A; p.Val1045Met variant is rare in the general population (<1% allele frequency in the Genome Aggregation Database) and has not been reported in the medical literature in association with dilated cardiomyopathy (DCM) or other TTN-related disease. The clinical relevance of rare missense variants in this gene, which are identified on average once per individual sequenced in affected populations (Herman 2012), is not well understood. While the clinical significance of such variants is considered uncertain, evidence suggests that vast majority of missense variants do not contribute to the clinical outcome of DCM (Begay 2015). Given the available evidence, the clinical significance of the p.Val1045Met variant cannot be determined with certainty.

Eurofins Ntd Llc (ga)
Classification: Uncertain significance. Last evaluated: 2017-11-17. Review status: criteria provided, single submitter. Criteria: EGL Classification Definitions 2015. Collection method: clinical testing. Allele origin: germline. Observed: 4 variant alleles, 4 heterozygotes.

Labcorp Genetics (formerly Invitae), Labcorp
Classification: Uncertain significance for Dilated cardiomyopathy 1G; Autosomal recessive limb-girdle muscular dystrophy type 2J. Last evaluated: 2017-08-04. Review status: criteria provided, single submitter. Criteria: Invitae Variant Classification Sherloc (09022015). Collection method: clinical testing. Allele origin: germline.

Laboratory for Molecular Medicine, Mass General Brigham Personalized Medicine
Classification: Uncertain significance. Last evaluated: 2012-11-07. Review status: criteria provided, single submitter. Criteria: LMM Criteria. Collection method: clinical testing. Allele origin: germline. Observed: 1 variant allele.
Comment: The Val1045Met variant in TTN has not been reported in the literature nor previo usly identified by our laboratory. This variant has been identified in 2/4406 Af rican American chromosomes from a broad population by the NHLBI Exome Sequencing Project (dbSNP rs72647868). Computational an alyses (biochemical amino acid properties, conservation, AlignGVGD, PolyPhen2, a nd SIFT) suggest that the Val1045Met variant may not impact the protein, though this information is not predictive enough to rule out pathogenicity. In summary, additional studies are needed to fully assess its clinical significance.